The following is an entry in ClinVar:

ClinVar aggregate classification (germline): Pathogenic (1 of 4 stars; one submission).

Submission:

Labcorp Genetics (formerly Invitae), Labcorp
Classification: Pathogenic. Last evaluated: 2019-05-08. Review status: criteria provided, single submitter. Criteria: Invitae Variant Classification Sherloc (09022015). Collection method: clinical testing. Allele origin: germline.
Comment: This sequence change creates a premature translational stop signal (p.Pro2601Glnfs*30) in the COL7A1 gene. It is expected to result in an absent or disrupted protein product. This variant is not present in population databases (ExAC no frequency). This variant has not been reported in the literature in individuals with COL7A1-related conditions. Loss-of-function variants in COL7A1 are known to be pathogenic (PMID: 16971478). For these reasons, this variant has been classified as Pathogenic.

Literature cited by the submitters: PubMed 16971478.

NM_000094.4(COL7A1):c.7802del (p.Pro2601fs)

Gene: COL7A1 (collagen type VII alpha 1 chain; minus strand). Cytogenetic location: 3p21.31.
Variant type: Deletion.
Coding change: c.7802del on transcript NM_000094.4 (MANE Select); coding-DNA position 7802, one base deleted (C; older notation c.7802delC).
Protein change: p.Pro2601fs; shifts the reading frame from proline 2601.
Molecular consequence: frameshift variant.
Genome position (GRCh38, 1-based): chr3:48,568,163, G deleted on the plus strand (C on the coding strand, the reverse complement: COL7A1 is on the minus strand); the first of 4 consecutive G bases (chr3:48,568,163-48,568,166); deleting any one gives the same sequence. VCF-style (leftmost placement, unchanged base first): chr3-48568162-TG-T. GRCh37 (hg19) VCF-style: chr3-48605595-TG-T.
Other names: short protein forms P2601fs.
Identifiers: ClinVar variation 949597 (VCV000949597.6), dbSNP rs1482828043, ClinGen allele CA1139658056.